The following is an entry in ClinVar:

ClinVar aggregate classification (germline): Uncertain significance (1 of 4 stars; one submission).

gnomAD v4.1: 32 of 1,613,688 alleles (0.002%); highest among the groups gnomAD compares: Admixed American, 0.0067%; no homozygotes.

Submission:

Labcorp Genetics (formerly Invitae), Labcorp
Classification: Uncertain significance. Last evaluated: 2025-07-08. Review status: criteria provided, single submitter. Criteria: Invitae Variant Classification Sherloc (09022015). Collection method: clinical testing. Allele origin: germline.
Comment: This sequence change replaces serine, which is neutral and polar, with leucine, which is neutral and non-polar, at codon 867 of the MYH3 protein (p.Ser867Leu). This variant is present in population databases (rs777604042, gnomAD 0.01%). This variant has not been reported in the literature in individuals affected with MYH3-related conditions. ClinVar contains an entry for this variant (Variation ID: 3607450). Invitae Evidence Modeling of protein sequence and biophysical properties (such as structural, functional, and spatial information, amino acid conservation, physicochemical variation, residue mobility, and thermodynamic stability) indicates that this missense variant is not expected to disrupt MYH3 protein function with a negative predictive value of 95%. In summary, the available evidence is currently insufficient to determine the role of this variant in disease. Therefore, it has been classified as a Variant of Uncertain Significance.

NM_002470.4(MYH3):c.2600C>T (p.Ser867Leu)

Gene: MYH3 (myosin heavy chain 3; minus strand). Cytogenetic location: 17p13.1.
Variant type: single nucleotide variant.
Coding change: c.2600C>T on transcript NM_002470.4 (MANE Select); coding-DNA position 2600, C replaced by T.
Protein change: p.Ser867Leu; replaces serine 867 with leucine.
Molecular consequence: missense variant.
Genome position (GRCh38, 1-based): chr17:10,640,078, G>A on the plus strand (C>T on the coding strand, the complement: MYH3 is on the minus strand). VCF-style: chr17-10640078-G-A. GRCh37 (hg19) VCF-style: chr17-10543395-G-A.
Other names: short protein forms S867L.
Identifiers: ClinVar variation 3607450 (VCV003607450.2).